The following is an entry in ClinVar:

ClinVar aggregate classification (germline): Pathogenic (1 of 4 stars; one submission).

Conditions:
Coffin-Siris syndrome 1 (CSS1). Also called: Mental retardation, autosomal dominant 12; ARID1B-Related Coffin-Siris Syndrome. Identifiers: Orphanet 1465, MedGen C3281201, MONDO:0007617, OMIM 135900. Disease mechanism: gain of function.

Submission:

Laboratory of Human Genetics, Universidade de São Paulo
Classification: Pathogenic for Coffin-Siris syndrome 1. Last evaluated: 2025-12-18. Review status: criteria provided, single submitter. Criteria: ACMG Guidelines, 2015. Collection method: research. Allele origin: de novo. Affected: yes.
Comment: Heterozygous variant classified as pathogenic according to ACMG/AMP guidelines (PVS1, PM2, PM6).

NM_001374828.1(ARID1B):c.3584G>A (p.Trp1195Ter)

Gene: ARID1B (AT-rich interaction domain 1B; plus strand). Cytogenetic location: 6q25.3.
Variant type: single nucleotide variant.
Coding change: c.3584G>A on transcript NM_001374828.1 (MANE Select); coding-DNA position 3584, G replaced by A.
Protein change: p.Trp1195Ter; replaces tryptophan 1195 with a stop codon.
Molecular consequence: nonsense.
Genome position (GRCh38, 1-based): chr6:157,181,048, G>A. VCF-style: chr6-157181048-G-A. GRCh37 (hg19) VCF-style: chr6-157502182-G-A.
Other names: c.1085G>A, p.Trp362Ter (NM_001363725.2); c.3464G>A, p.Trp1155Ter (NM_001371656.1, NM_001374820.1); c.3713G>A, p.Trp1238Ter (NM_001438482.1); c.3626G>A, p.Trp1209Ter (NM_001438483.1); c.3494G>A, p.Trp1165Ter (NM_001438485.1); c.3467G>A, p.Trp1156Ter (NM_001438486.1); c.3404G>A, p.Trp1135Ter (NM_001438487.1); c.926G>A, p.Trp309Ter (NM_001438488.1); and 1 more; short protein forms W1135*, W1142*, W1155*, W1156*, W1165*, W1195*, W1209*, W1238*.
Identifiers: ClinVar variation 4688039 (VCV004688039.1).